The following is an entry in ClinVar:

ClinVar aggregate classification (germline): Uncertain significance (1 of 4 stars; one submission).

Submission:

Women's Health and Genetics/Laboratory Corporation of America, LabCorp
Classification: Uncertain significance. Last evaluated: 2023-12-28. Review status: criteria provided, single submitter. Criteria: LabCorp Variant Classification Summary - May 2015. Collection method: clinical testing. Allele origin: germline.
Comment: Variant summary: KDM5C c.3120+4A>C alters a nucleotide located close to a canonical splice site and therefore could affect mRNA splicing, leading to a significantly altered protein sequence. Several computational tools predict a significant impact on normal splicing: Two predict the variant abolishes a 5 prime splicing donor site. Two predict the variant weakens a 5 prime donor site. However, these predictions have yet to be confirmed by functional studies. The variant was absent in 1090931 control chromosomes. The available data on variant occurrences in the general population are insufficient to allow any conclusion about variant significance. To our knowledge, no occurrence of c.3120+4A>C in individuals affected with Mental Retardation, Syndromic, Claes-Jensen Type, X-Linked and no experimental evidence demonstrating its impact on protein function have been reported. No submitters have cited clinical-significance assessments for this variant to ClinVar after 2014. Based on the evidence outlined above, the variant was classified as uncertain significance.

NM_004187.5(KDM5C):c.3120+4A>C

Gene: KDM5C (lysine demethylase 5C; minus strand). Cytogenetic location: Xp11.22.
Variant type: single nucleotide variant.
Coding change: c.3120+4A>C on transcript NM_004187.5 (MANE Select); 4 bases into the intron after coding-DNA position 3120, A replaced by C.
Molecular consequence: intron variant.
Genome position (GRCh38, 1-based): chrX:53,195,912, T>G on the plus strand (A>C on the coding strand, the complement: KDM5C is on the minus strand). VCF-style: chrX-53195912-T-G. GRCh37 (hg19) VCF-style: chrX-53225094-T-G.
Other names: c.3117+4A>C (NM_001353982.2, NM_001353979.2, NM_001282622.3); c.3120+4A>C (NM_001353981.2, NM_001353984.2, NM_001353978.3); c.2919+4A>C (NM_001146702.2).
Identifiers: ClinVar variation 2691442 (VCV002691442.1), dbSNP rs2519388663, ClinGen allele CA2697553097.